The following is an entry in ClinVar:

NM_001127208.3(TET2):c.2672A>G (p.Gln891Arg)

Genes: TET2 (tet methylcytosine dioxygenase 2; plus strand), TET2-AS1 (TET2 antisense RNA 1; minus strand). Cytogenetic location: 4q24.
Variant type: single nucleotide variant.
Coding change: c.2672A>G on transcript NM_001127208.3 (MANE Select); coding-DNA position 2672, A replaced by G.
Protein change: p.Gln891Arg; replaces glutamine 891 with arginine.
Molecular consequence: missense variant.
Genome position (GRCh38, 1-based): chr4:105,236,614, A>G. VCF-style: chr4-105236614-A-G. GRCh37 (hg19) VCF-style: chr4-106157771-A-G.
Other names: c.2672A>G, p.Gln891Arg (NM_017628.4); short protein forms Q891R.
Identifiers: ClinVar variation 3806122 (VCV003806122.1).
Genomic context (GRCh38, chr4:105,236,614, plus strand): 5'-ATGTGATCCCAAAGCAAGATCTTCTTCACAGGTGCTTTCAAGAACAGGAGCAGAAGTCAC[A>G]ACAAGCTTCAGTTCTACAGGGATATAAAAATAGAAACCAAGATATGTCTGGTCAACAAGC-3'
Protein context (NP_001120680.1, residues 881-901): RCFQEQEQKS[Gln891Arg]QASVLQGYKN

ClinVar aggregate classification (germline): Uncertain significance (1 of 4 stars; one submission).

Submission:

Ambry Genetics
Classification: Uncertain significance. Last evaluated: 2025-03-14. Review status: criteria provided, single submitter. Criteria: Ambry Variant Classification Scheme 2023. Collection method: clinical testing. Allele origin: germline.
Comment: The p.Q891R variant (also known as c.2672A>G), located in coding exon 1 of the TET2 gene, results from an A to G substitution at nucleotide position 2672. The glutamine at codon 891 is replaced by arginine, an amino acid with highly similar properties. This amino acid position is conserved. In addition, this alteration is predicted to be tolerated by in silico analysis. Based on the available evidence, the clinical significance of this variant remains unclear.